The following is an entry in ClinVar:

NM_005633.4(SOS1):c.2511-299_2511-298dup

Gene: SOS1 (SOS Ras/Rac guanine nucleotide exchange factor 1; minus strand). Cytogenetic location: 2p22.1.
Variant type: Duplication.
Coding change: c.2511-299_2511-298dup on transcript NM_005633.4 (MANE Select); 299 bases into the intron before coding-DNA position 2511 through 298 bases into the intron before coding-DNA position 2511, 2 bases duplicated (TC; older notation c.2511-299_2511-298dupTC).
Molecular consequence: intron variant.
Genome position (GRCh38, 1-based): chr2:39,007,491-39,007,492, GA duplicated on the plus strand (TC on the coding strand, the reverse complement: SOS1 is on the minus strand); duplicating any 2 consecutive bases within chr2:39,007,491-39,007,493 gives the same sequence; the c. name uses the placement nearest the transcript's 3' end. VCF-style (leftmost placement, unchanged base first): chr2-39007490-G-GGA. GRCh37 (hg19) VCF-style: chr2-39234631-G-GGA.
Other names: c.2490-299_2490-298dup (NM_001382394.1); c.2511-299_2511-298dup (NM_001382395.1); c.2511-301_2511-300insCT (NM_005633.3).
Identifiers: ClinVar variation 561892 (VCV000561892.1), dbSNP rs5830552, ClinGen allele CA45656799.

ClinVar aggregate classification (germline): Benign (1 of 4 stars; one submission).

Submission:

GeneDx
Classification: Benign. Last evaluated: 2018-06-14. Review status: criteria provided, single submitter. Criteria: GeneDx Variant Classification (06012015). Collection method: clinical testing. Allele origin: germline. Affected: yes.
Comment: This variant is considered likely benign or benign based on one or more of the following criteria: it is a conservative change, it occurs at a poorly conserved position in the protein, it is predicted to be benign by multiple in silico algorithms, and/or has population frequency not consistent with disease.